The following is an entry in ClinVar:

NM_001903.5(CTNNA1):c.1094A>T (p.Asn365Ile)

Gene: CTNNA1 (catenin alpha 1; plus strand). Cytogenetic location: 5q31.2.
Variant type: single nucleotide variant.
Coding change: c.1094A>T on transcript NM_001903.5 (MANE Select); coding-DNA position 1094, A replaced by T.
Protein change: p.Asn365Ile; replaces asparagine 365 with isoleucine.
Molecular consequence: missense variant. On other transcripts: 5 prime UTR variant (26), intron variant (2).
Genome position (GRCh38, 1-based): chr5:138,886,243, A>T. VCF-style: chr5-138886243-A-T. GRCh37 (hg19) VCF-style: chr5-138221932-A-T.
Other names: c.1094A>T, p.Asn365Ile (NM_001290307.3, NM_001323982.2, NM_001323983.1 and 3 more transcripts); c.785A>T, p.Asn262Ile (NM_001290309.3); c.725A>T, p.Asn242Ile (NM_001290310.3); c.-17A>T (NM_001290312.1, NM_001323987.1, NM_001323988.1 and 18 more transcripts); c.-414A>T (NM_001324006.1, NM_001324007.1, NM_001324008.1 and 1 more transcripts); c.-289A>T (NM_001324013.1); c.-58+10646A>T (NM_001324012.1); c.-61+10646A>T (NM_001324010.1); short protein forms N242I, N365I, N262I.
Identifiers: ClinVar variation 4635544 (VCV004635544.1).
Genomic context (GRCh38, chr5:138,886,243, plus strand): 5'-AAATGCTCATCTCTTTTCCTTTTATCCAGGCTGGACGTAAAGAAAGAAGTGATGCACTCA[A>T]TTCTGCAATAGATAAAATGACCAAGAAGACCAGGGACTTGCGTAGACAGGTAATCTGGAT-3'
Protein context (NP_001894.2, residues 355-375): AGRKERSDAL[Asn365Ile]SAIDKMTKKT

ClinVar aggregate classification (germline): Uncertain significance (1 of 4 stars; one submission).

Conditions:
Hereditary cancer-predisposing syndrome. Also called: Neoplastic Syndromes, Hereditary; Tumor predisposition; Hereditary Cancer Syndrome; Hereditary neoplastic syndrome. Identifiers: Orphanet 140162, MedGen C0027672, MeSH D009386, MONDO:0015356.

Submission:

Ambry Genetics
Classification: Uncertain significance for Hereditary cancer-predisposing syndrome. Last evaluated: 2025-11-15. Review status: criteria provided, single submitter. Criteria: Ambry Variant Classification Scheme 2023. Collection method: clinical testing. Allele origin: germline.
Comment: The p.N365I variant (also known as c.1094A>T), located in coding exon 7 of the CTNNA1 gene, results from an A to T substitution at nucleotide position 1094. The asparagine at codon 365 is replaced by isoleucine, an amino acid with dissimilar properties. This amino acid position is conserved. In addition, the in silico prediction for this alteration is inconclusive. Based on the available evidence, the clinical significance of this variant remains unclear.